The following is an entry in ClinVar:

ClinVar aggregate classification (germline): Uncertain significance (1 of 4 stars; one submission).

Allele frequency attached by ClinVar (database versions not stated): TOPMed below 0.00001; gnomAD 0.00001.
gnomAD v4.1: 5 of 1,353,452 alleles (0.00037%); highest among the groups gnomAD compares: Admixed American, 0.0032%; no homozygotes.

Submission:

GeneDx
Classification: Uncertain significance. Last evaluated: 2023-10-31. Review status: criteria provided, single submitter. Criteria: GeneDx Variant Classification Process June 2021. Collection method: clinical testing. Allele origin: germline. Affected: yes.
Comment: Not observed at significant frequency in large population cohorts (gnomAD); In silico analysis supports that this missense variant does not alter protein structure/function; Has not been previously published as pathogenic or benign to our knowledge

NM_016148.5(SHANK1):c.3410C>T (p.Ser1137Phe)

Gene: SHANK1 (SH3 and multiple ankyrin repeat domains 1; minus strand). Cytogenetic location: 19q13.33.
Variant type: single nucleotide variant.
Coding change: c.3410C>T on transcript NM_016148.5 (MANE Select); coding-DNA position 3410, C replaced by T.
Protein change: p.Ser1137Phe; replaces serine 1137 with phenylalanine.
Molecular consequence: missense variant.
Genome position (GRCh38, 1-based): chr19:50,668,550, G>A on the plus strand (C>T on the coding strand, the complement: SHANK1 is on the minus strand). VCF-style: chr19-50668550-G-A. GRCh37 (hg19) VCF-style: chr19-51171807-G-A.
Other names: short protein forms S1137F.
Identifiers: ClinVar variation 2662941 (VCV002662941.1), dbSNP rs996536714, ClinGen allele CA309627581.